The following is an entry in ClinVar:

NM_001572.5(IRF7):c.543C>T (p.Asp181=)

Gene: IRF7 (interferon regulatory factor 7; minus strand). Cytogenetic location: 11p15.5.
Variant type: single nucleotide variant.
Coding change: c.543C>T on transcript NM_001572.5 (MANE Select); coding-DNA position 543, C replaced by T.
Protein change: p.Asp181=; no amino-acid change (aspartic acid 181 retained).
Molecular consequence: synonymous variant. On other transcripts: intron variant (1).
Genome position (GRCh38, 1-based): chr11:614,310, G>A on the plus strand (C>T on the coding strand, the complement: IRF7 is on the minus strand). VCF-style: chr11-614310-G-A. GRCh37 (hg19) VCF-style: chr11-614310-G-A.
Other names: c.579C>T, p.Asp193= (NM_001440440.1); c.540C>T, p.Asp180= (NM_001440442.1, NM_001440445.1); c.582C>T, p.Asp194= (NM_001440444.1, NM_004031.4); c.543C>T, p.Asp181= (NM_004029.4); c.395-445C>T (NM_001440446.1).
Identifiers: ClinVar variation 5041402 (VCV005041402.1).
Genomic context (GRCh38, chr11:614,310, plus strand): 5'-CCATGACGCTGTCAGCAGATGGTCTGCCAGGCAGCTCTGTTGCACTGCCTGGAGCAGGAG[G>A]TCCCCCTTGTCACCAGCTGGGGCAGGGAGGGGGCCTGGGGCTTGGAGTCCAGCATGTGTG-3'
Protein context (NP_001563.2, residues 171-191): PLPAPAGDKG[Asp181=]LLLQAVQQSC

ClinVar aggregate classification (germline): Likely benign (1 of 4 stars; one submission).

gnomAD v4.1: 9 of 1,611,736 alleles (0.00056%); highest among the groups gnomAD compares: South Asian, 0.0011%; no homozygotes.

Submission:

CeGaT Center for Human Genetics Tuebingen
Classification: Likely benign. Last evaluated: 2026-10-01. Review status: criteria provided, single submitter. Criteria: CeGaT Center For Human Genetics Tuebingen Variant Classification Criteria Version 2. Collection method: clinical testing. Allele origin: germline. Affected: yes. Observed: 1 variant allele.
Comment: IRF7: BP4, BP7